The following is an entry in ClinVar:

ClinVar aggregate classification (germline): Likely benign. Review status: criteria provided, multiple submitters, no conflicts (2 of 4 stars). 2 submissions from 2 submitters: Likely benign (2). Last evaluated 2023-08-15.

Conditions:
Multiple endocrine neoplasia, type 2 (MEN2). Identifiers: Orphanet 653, MedGen C4048306, MONDO:0019003. Disease mechanism: gain of function.
Hereditary cancer-predisposing syndrome. Also called: Neoplastic Syndromes, Hereditary; Tumor predisposition; Hereditary Cancer Syndrome; Hereditary neoplastic syndrome. Identifiers: Orphanet 140162, MedGen C0027672, MeSH D009386, MONDO:0015356.

Allele frequency attached by ClinVar (database versions not stated): gnomAD 0.00001.
gnomAD v4.1: 1 of 1,608,438 alleles (0.000062%); highest among the groups gnomAD compares: Non-Finnish European, 0.000085%; no homozygotes.

Submissions (2):

All of Us Research Program, National Institutes of Health
Classification: Likely benign for Multiple endocrine neoplasia, type 2. Last evaluated: 2023-08-15. Review status: criteria provided, single submitter. Criteria: ACMG Guidelines, 2015. Collection method: clinical testing. Allele origin: germline. Inheritance: Autosomal dominant inheritance. Observed: 1 variant allele, 1 heterozygote.
Comment: This study involves interpretation of variants in research participants for the purpose of population health screening. Participant phenotype was not available at the time of variant classification. Additional details can be found in publication PMID: 35346344, PMCID: PMC8962531

Ambry Genetics
Classification: Likely benign for Hereditary cancer-predisposing syndrome. Last evaluated: 2018-08-13. Review status: criteria provided, single submitter. Criteria: Ambry Variant Classification Scheme 2023. Collection method: clinical testing. Allele origin: germline.

NM_020975.6(RET):c.1917A>G (p.Ala639=)

Gene: RET (ret proto-oncogene; plus strand). Cytogenetic location: 10q11.21.
Variant type: single nucleotide variant.
Coding change: c.1917A>G on transcript NM_020975.6 (MANE Select); coding-DNA position 1917, A replaced by G.
Protein change: p.Ala639=; no amino-acid change (alanine 639 retained).
Molecular consequence: synonymous variant. On other transcripts: intron variant (4).
Genome position (GRCh38, 1-based): chr10:43,114,517, A>G. VCF-style: chr10-43114517-A-G. GRCh37 (hg19) VCF-style: chr10-43609965-A-G.
Other names: c.1191A>G, p.Ala397= (NM_001406778.1, NM_001406775.1, NM_001406776.1 and 1 more transcripts); c.1020A>G, p.Ala340= (NM_001406779.1, NM_001406782.1, NM_001406780.1 and 1 more transcripts); c.900A>G, p.Ala300= (NM_001406785.1); c.891A>G, p.Ala297= (NM_001406783.1, NM_001406786.1); c.927A>G, p.Ala309= (NM_001406784.1); c.732A>G, p.Ala244= (NM_001406788.1, NM_001406789.1, NM_001406790.1); c.1917A>G, p.Ala639= (NM_000323.2, NM_001406743.1, NM_001406744.1 and 4 more transcripts); c.1155A>G, p.Ala385= (NM_001355216.2); and 10 more.
Identifiers: ClinVar variation 820337 (VCV000820337.7), dbSNP rs1343990457, ClinGen allele CA469479604.